The following is an entry in ClinVar:

ClinVar aggregate classification (germline): Uncertain significance (1 of 4 stars; one submission).

Conditions:
Diamond-Blackfan anemia. Also called: Blackfan Diamond syndrome; Aregenerative anemia chronic congenital; Red cell aplasia, pure hereditary; Congenital hypoplastic anemia; Aase syndrome. Identifiers: Orphanet 124, MedGen C1260899, MeSH D029503, MONDO:0015253, HP:0004810.

Submission:

Labcorp Genetics (formerly Invitae), Labcorp
Classification: Uncertain significance for Diamond-Blackfan anemia. Last evaluated: 2023-04-11. Review status: criteria provided, single submitter. Criteria: Invitae Variant Classification Sherloc (09022015). Collection method: clinical testing. Allele origin: germline.
Comment: Algorithms developed to predict the effect of sequence changes on RNA splicing suggest that this variant may disrupt the consensus splice site. In summary, the available evidence is currently insufficient to determine the role of this variant in disease. Therefore, it has been classified as a Variant of Uncertain Significance. An algorithm developed to predict the effect of missense changes on protein structure and function (PolyPhen-2) suggests that this variant is likely to be tolerated. This variant has not been reported in the literature in individuals affected with RPL11-related conditions. This variant is not present in population databases (gnomAD no frequency). This sequence change replaces lysine, which is basic and polar, with arginine, which is basic and polar, at codon 144 of the RPL11 protein (p.Lys144Arg).

NM_000975.5(RPL11):c.431A>G (p.Lys144Arg)

Gene: RPL11 (ribosomal protein L11; plus strand). Cytogenetic location: 1p36.11.
Variant type: single nucleotide variant.
Coding change: c.431A>G on transcript NM_000975.5 (MANE Select); coding-DNA position 431, A replaced by G.
Protein change: p.Lys144Arg; replaces lysine 144 with arginine.
Molecular consequence: missense variant.
Genome position (GRCh38, 1-based): chr1:23,695,832, A>G. VCF-style: chr1-23695832-A-G. GRCh37 (hg19) VCF-style: chr1-24022322-A-G.
Other names: c.428A>G, p.Lys143Arg (NM_001199802.1); short protein forms K143R, K144R.
Identifiers: ClinVar variation 2777357 (VCV002777357.3), dbSNP rs2523402963, ClinGen allele CA338994429.
Genomic context (GRCh38, chr1:23,695,832, plus strand): 5'-GTGACTGTTGGTTATTCCTGGGACAGGTGCTGGGTAGGCCAGGTTTCAGCATCGCAGACA[A>G]GAAGCGCAGGACAGGCTGCATTGGGGCCAAACACAGAATCAGCAAAGAGGAGGCCATGCG-3'
Protein context (NP_000966.2, residues 134-154): LGRPGFSIAD[Lys144Arg]KRRTGCIGAK